The following is an entry in ClinVar:

ClinVar aggregate classification (germline): Uncertain significance (1 of 4 stars; one submission).

Conditions:
Progressive familial heart block type IB (PFHB1B). Identifiers: Orphanet 871, MedGen C1970298, MONDO:0011474, OMIM 604559.

gnomAD v4.1: 16 of 1,613,422 alleles (0.00099%); highest among the groups gnomAD compares: Non-Finnish European, 0.0013%; no homozygotes.

Submission:

Labcorp Genetics (formerly Invitae), Labcorp
Classification: Uncertain significance for Progressive familial heart block type IB. Last evaluated: 2026-01-21. Review status: criteria provided, single submitter. Criteria: Invitae Variant Classification Sherloc (09022015). Collection method: clinical testing. Allele origin: germline.
Comment: This sequence change replaces leucine, which is neutral and non-polar, with proline, which is neutral and non-polar, at codon 1106 of the TRPM4 protein (p.Leu1106Pro). This variant is not present in population databases (gnomAD no frequency). This variant has not been reported in the literature in individuals affected with TRPM4-related conditions. An algorithm developed to predict the effect of missense changes on protein structure and function outputs the following: PolyPhen-2: "Benign". The proline amino acid residue is found in multiple mammalian species, which suggests that this missense change does not adversely affect protein function. In summary, the available evidence is currently insufficient to determine the role of this variant in disease. Therefore, it has been classified as a Variant of Uncertain Significance.

NM_017636.4(TRPM4):c.3317T>C (p.Leu1106Pro)

Gene: TRPM4 (transient receptor potential cation channel subfamily M member 4; plus strand). Cytogenetic location: 19q13.33.
Variant type: single nucleotide variant.
Coding change: c.3317T>C on transcript NM_017636.4 (MANE Select); coding-DNA position 3317, T replaced by C.
Protein change: p.Leu1106Pro; replaces leucine 1106 with proline.
Molecular consequence: missense variant.
Genome position (GRCh38, 1-based): chr19:49,210,394, T>C. VCF-style: chr19-49210394-T-C. GRCh37 (hg19) VCF-style: chr19-49713651-T-C.
Other names: c.2882T>C, p.Leu961Pro (NM_001195227.2); c.2972T>C, p.Leu991Pro (NM_001321281.2); c.1709T>C, p.Leu570Pro (NM_001321282.2); c.2795T>C, p.Leu932Pro (NM_001321283.2); c.2255T>C, p.Leu752Pro (NM_001321285.2); short protein forms L752P, L961P, L991P, L1106P, L570P, L932P.
Identifiers: ClinVar variation 4747756 (VCV004747756.1).
Genomic context (GRCh38, chr19:49,210,394, plus strand): 5'-GCCTCCTGCTCAGGCAATTGTGCAGGCGACCCCGGAGCCCCCAGCCGTCCTCCCCGGCCC[T>C]CGAGCATTTCCGTAAGAACAGAGCTTGGCTTAAAAAGGAGAAATATAGGGGACCGGGAGC-3'
Protein context (NP_060106.2, residues 1096-1116): PRSPQPSSPA[Leu1106Pro]EHFRVYLSKE